The following is an entry in ClinVar:

ClinVar aggregate classification (germline): Uncertain significance (1 of 4 stars; one submission).

Conditions:
Ehlers-Danlos syndrome, dermatosparaxis type. Also called: Ehlers-Danlos syndrome, type VII, autosomal recessive; EDS VIIC; Dermatosparaxis. Identifiers: Orphanet 1901, MedGen C2700425, MONDO:0009161, OMIM 225410.

Submission:

Labcorp Genetics (formerly Invitae), Labcorp
Classification: Uncertain significance for Ehlers-Danlos syndrome, dermatosparaxis type. Last evaluated: 2022-02-20. Review status: criteria provided, single submitter. Criteria: Invitae Variant Classification Sherloc (09022015). Collection method: clinical testing. Allele origin: germline.
Comment: In summary, the available evidence is currently insufficient to determine the role of this variant in disease. Therefore, it has been classified as a Variant of Uncertain Significance. Experimental studies and prediction algorithms are not available or were not evaluated, and the functional significance of this variant is currently unknown. This variant has not been reported in the literature in individuals affected with ADAMTS2-related conditions. This variant is not present in population databases (gnomAD no frequency). This variant, c.2440_2445del, results in the deletion of 2 amino acid(s) of the ADAMTS2 protein (p.Gly814_Thr815del), but otherwise preserves the integrity of the reading frame.

NM_014244.5(ADAMTS2):c.2440_2445del (p.Gly814_Thr815del)

Gene: ADAMTS2 (ADAM metallopeptidase with thrombospondin type 1 motif 2; minus strand). Cytogenetic location: 5q35.3.
Variant type: Deletion.
Coding change: c.2440_2445del on transcript NM_014244.5 (MANE Select); coding-DNA positions 2440 to 2445, 6 bases deleted (GGCACC; older notation c.2440_2445delGGCACC).
Protein change: p.Gly814_Thr815del.
Molecular consequence: inframe deletion.
Genome position (GRCh38, 1-based): chr5:179,129,944-179,129,949, GGTGCC deleted on the plus strand (GGCACC on the coding strand, the reverse complement: ADAMTS2 is on the minus strand); deleting any 6 consecutive bases within chr5:179,129,944-179,129,950 gives the same sequence; the c. name uses the placement nearest the transcript's 3' end. VCF-style (leftmost placement, unchanged base first): chr5-179129943-TGGTGCC-T. GRCh37 (hg19) VCF-style: chr5-178556944-TGGTGCC-T.
Identifiers: ClinVar variation 2100531 (VCV002100531.4), dbSNP rs2480171371, ClinGen allele CA2580074091.